The following is an entry in ClinVar:

NM_030780.5(SLC25A32):c.666+6A>C

Gene: SLC25A32 (solute carrier family 25 member 32; minus strand). Cytogenetic location: 8q22.3.
Variant type: single nucleotide variant.
Coding change: c.666+6A>C on transcript NM_030780.5 (MANE Select); 6 bases into the intron after coding-DNA position 666, A replaced by C.
Molecular consequence: intron variant.
Genome position (GRCh38, 1-based): chr8:103,401,935, T>G on the plus strand (A>C on the coding strand, the complement: SLC25A32 is on the minus strand). VCF-style: chr8-103401935-T-G. GRCh37 (hg19) VCF-style: chr8-104414163-T-G.
Identifiers: ClinVar variation 3624470 (VCV003624470.2).

ClinVar aggregate classification (germline): Uncertain significance (1 of 4 stars; one submission).

Submission:

Labcorp Genetics (formerly Invitae), Labcorp
Classification: Uncertain significance. Last evaluated: 2024-11-19. Review status: criteria provided, single submitter. Criteria: Invitae Variant Classification Sherloc (09022015). Collection method: clinical testing. Allele origin: germline.
Comment: This sequence change falls in intron 5 of the SLC25A32 gene. It does not directly change the encoded amino acid sequence of the SLC25A32 protein. It affects a nucleotide within the consensus splice site. This variant is present in population databases (no rsID available, gnomAD 0.0009%). This variant has not been reported in the literature in individuals affected with SLC25A32-related conditions. Variants that disrupt the consensus splice site are a relatively common cause of aberrant splicing (PMID: 17576681, 9536098). Algorithms developed to predict the effect of sequence changes on RNA splicing suggest that this variant is not likely to affect RNA splicing. In summary, the available evidence is currently insufficient to determine the role of this variant in disease. Therefore, it has been classified as a Variant of Uncertain Significance.

Literature cited by the submitters: PubMed 17576681; PubMed 9536098.